The following is an entry in ClinVar:

ClinVar aggregate classification (germline): Likely benign (1 of 4 stars; one submission).

Allele frequency attached by ClinVar (database versions not stated): gnomAD exomes 0.00040; ExAC 0.00136; gnomAD 0.00258; TOPMed 0.00290; ESP Exome Variant Server 0.00323; 1000 Genomes Project 0.00359; 1000 Genomes Project 30x 0.00390.
gnomAD v4.1: 985 of 1,609,048 alleles (0.061%); highest among the groups gnomAD compares: African/African-American, 0.87%; 6 homozygotes.

Submission:

CeGaT Center for Human Genetics Tuebingen
Classification: Likely benign. Last evaluated: 2023-01-01. Review status: criteria provided, single submitter. Criteria: CeGaT Center For Human Genetics Tuebingen Variant Classification Criteria Version 2. Collection method: clinical testing. Allele origin: germline. Affected: yes. Observed: 1 variant allele.
Comment: HIP1R: BP4, BP7, BS2

NM_003959.3(HIP1R):c.453C>T (p.Pro151=)

Gene: HIP1R (huntingtin interacting protein 1 related; plus strand). Cytogenetic location: 12q24.31.
Variant type: single nucleotide variant.
Coding change: c.453C>T on transcript NM_003959.3 (MANE Select); coding-DNA position 453, C replaced by T.
Protein change: p.Pro151=; no amino-acid change (proline 151 retained).
Molecular consequence: synonymous variant.
Genome position (GRCh38, 1-based): chr12:122,850,849, C>T. VCF-style: chr12-122850849-C-T. GRCh37 (hg19) VCF-style: chr12-123335396-C-T.
Other names: c.453C>T, p.Pro151= (NM_001303097.2); c.417C>T, p.Pro139= (NM_001303099.2).
Identifiers: ClinVar variation 2643507 (VCV002643507.24), dbSNP rs61739358, ClinGen allele CA6851140.